The following is an entry in ClinVar:

ClinVar aggregate classification (germline): Uncertain significance (1 of 4 stars; one submission).

Allele frequency attached by ClinVar (database versions not stated): gnomAD exomes below 0.00001; TOPMed below 0.00001.
gnomAD v4.1: 3 of 1,551,168 alleles (0.00019%); highest among the groups gnomAD compares: Admixed American, 0.0039%; no homozygotes.

Submission:

GeneDx
Classification: Uncertain significance. Last evaluated: 2023-03-04. Review status: criteria provided, single submitter. Criteria: GeneDx Variant Classification Process June 2021. Collection method: clinical testing. Allele origin: germline. Affected: yes.
Comment: Not observed at significant frequency in large population cohorts (gnomAD); In silico analysis supports that this missense variant has a deleterious effect on protein structure/function; Has not been previously published as pathogenic or benign to our knowledge

NM_001367479.1(DNAH14):c.9637C>T (p.Pro3213Ser)

Gene: DNAH14 (dynein axonemal heavy chain 14; plus strand). Cytogenetic location: 1q42.12.
Variant type: single nucleotide variant.
Coding change: c.9637C>T on transcript NM_001367479.1 (MANE Select); coding-DNA position 9637, C replaced by T.
Protein change: p.Pro3213Ser; replaces proline 3213 with serine.
Molecular consequence: missense variant.
Genome position (GRCh38, 1-based): chr1:225,324,746, C>T. VCF-style: chr1-225324746-C-T. GRCh37 (hg19) VCF-style: chr1-225512448-C-T.
Other names: NM_001373.1:c.9358C>T; short protein forms P3213S.
Identifiers: ClinVar variation 2578089 (VCV002578089.1), dbSNP rs1356740067, ClinGen allele CA344982250.
Genomic context (GRCh38, chr1:225,324,746, plus strand): 5'-ACAGTAAACCCGACGTTTTTGACACTTAAATGTTCTGACATTCTCTTTAAGGTTGTGGGC[C>T]CTAAACAAATCCAAGTAGCTGAAGCTCAAAACGTCCTTAAAATTGCGCGACAAAGACTTG-3'
Protein context (NP_001354408.1, residues 3203-3223): NYHEVQKVVG[Pro3213Ser]KQIQVAEAQN